The following is an entry in ClinVar:

ClinVar aggregate classification (germline): Uncertain significance (1 of 4 stars; one submission).

Conditions:
Nephronophthisis. Also called: Juvenile Nephronophthisis. Identifiers: Orphanet 655, MedGen C0687120, MONDO:0019005, HP:0000090.

Allele frequency attached by ClinVar (database versions not stated): gnomAD exomes below 0.00001.

Submission:

Labcorp Genetics (formerly Invitae), Labcorp
Classification: Uncertain significance for Nephronophthisis. Last evaluated: 2021-08-13. Review status: criteria provided, single submitter. Criteria: Invitae Variant Classification Sherloc (09022015). Collection method: clinical testing. Allele origin: germline.
Comment: This variant, c.1379_1381del, is a complex sequence change that results in the deletion of 2 and insertion of 1 amino acid(s) in the NPHP1 protein (p.Asn460_Ser461delinsThr). This variant is not present in population databases (ExAC no frequency). This variant has not been reported in the literature in individuals affected with NPHP1-related conditions. Experimental studies and prediction algorithms are not available or were not evaluated, and the functional significance of this variant is currently unknown. In summary, the available evidence is currently insufficient to determine the role of this variant in disease. Therefore, it has been classified as a Variant of Uncertain Significance.

NM_001128178.3(NPHP1):c.1211_1213del (p.Asn404_Ser405delinsThr)

Gene: NPHP1 (nephrocystin 1; minus strand). Cytogenetic location: 2q13.
Variant type: Deletion.
Coding change: c.1211_1213del on transcript NM_001128178.3 (MANE Select); coding-DNA positions 1211 to 1213, 3 bases deleted (ATT; older notation c.1211_1213delATT).
Protein change: p.Asn404_Ser405delinsThr.
Molecular consequence: inframe indel.
Genome position (GRCh38, 1-based): chr2:110,147,972-110,147,974, AAT deleted on the plus strand (ATT on the coding strand, the reverse complement: NPHP1 is on the minus strand). VCF-style (leftmost placement, unchanged base first): chr2-110147971-GAAT-G. GRCh37 (hg19) VCF-style: chr2-110905548-GAAT-G.
Other names: c.1379_1381del, p.Asn460_Ser461delinsThr (NM_000272.5); c.1022_1024del, p.Asn341_Ser342delinsThr (NM_001128179.3); c.1208_1210del, p.Asn403_Ser404delinsThr (NM_001374256.1); c.1211_1213del, p.Asn404_Ser405delinsThr (NM_001374257.1); c.1376_1378del, p.Asn459_Ser460delinsThr (NM_207181.4).
Identifiers: ClinVar variation 848309 (VCV000848309.7), dbSNP rs1681187208, ClinGen allele CA916082194.